The following is an entry in ClinVar:

ClinVar aggregate classification (germline): Uncertain significance (1 of 4 stars; one submission).

Conditions:
Immunodeficiency 39 (IMD39). Identifiers: Orphanet 574918, MedGen C4225358, MONDO:0014597, OMIM 616345.

Allele frequency attached by ClinVar (database versions not stated): gnomAD exomes 0.00001.
gnomAD v4.1: 3 of 1,610,412 alleles (0.00019%); highest among the groups gnomAD compares: East Asian, 0.0045%; no homozygotes.

Submission:

Labcorp Genetics (formerly Invitae), Labcorp
Classification: Uncertain significance for Immunodeficiency 39. Last evaluated: 2023-07-07. Review status: criteria provided, single submitter. Criteria: Invitae Variant Classification Sherloc (09022015). Collection method: clinical testing. Allele origin: germline.
Comment: In summary, the available evidence is currently insufficient to determine the role of this variant in disease. Therefore, it has been classified as a Variant of Uncertain Significance. Advanced modeling of protein sequence and biophysical properties (such as structural, functional, and spatial information, amino acid conservation, physicochemical variation, residue mobility, and thermodynamic stability) performed at Invitae indicates that this missense variant is not expected to disrupt IRF7 protein function. This variant has not been reported in the literature in individuals affected with IRF7-related conditions. The frequency data for this variant in the population databases is considered unreliable, as metrics indicate poor data quality at this position in the gnomAD database. This sequence change replaces glycine, which is neutral and non-polar, with aspartic acid, which is acidic and polar, at codon 183 of the IRF7 protein (p.Gly183Asp).

NM_001572.5(IRF7):c.509G>A (p.Gly170Asp)

Gene: IRF7 (interferon regulatory factor 7; minus strand). Cytogenetic location: 11p15.5.
Variant type: single nucleotide variant.
Coding change: c.509G>A on transcript NM_001572.5 (MANE Select); coding-DNA position 509, G replaced by A.
Protein change: p.Gly170Asp; replaces glycine 170 with aspartic acid.
Molecular consequence: missense variant.
Genome position (GRCh38, 1-based): chr11:614,344, C>T on the plus strand (G>A on the coding strand, the complement: IRF7 is on the minus strand). VCF-style: chr11-614344-C-T. GRCh37 (hg19) VCF-style: chr11-614344-C-T.
Other names: c.509G>A, p.Gly170Asp (NM_004029.4); c.548G>A, p.Gly183Asp (NM_004031.4); short protein forms G183D, G170D.
Identifiers: ClinVar variation 3013860 (VCV003013860.3), dbSNP rs1405083212, ClinGen allele CA378982163.